The following is an entry in ClinVar:

ClinVar aggregate classification (germline): Conflicting classifications of pathogenicity. Review status: criteria provided, conflicting classifications (1 of 4 stars). 6 submissions from 6 submitters: Uncertain significance (5); Likely benign (1). Last evaluated 2025-11-18.

Conditions:
Distal myopathy with posterior leg and anterior hand involvement. Also called: WILLIAMS DISTAL MYOPATHY. Identifiers: Orphanet 63273, MedGen C3279722, MONDO:0013550, OMIM 614065.
Myofibrillar myopathy 5. Also called: Filaminopathy (type); FILAMINOPATHY, AUTOSOMAL DOMINANT. Identifiers: Orphanet 171445, MedGen C1836050, MONDO:0012289, OMIM 609524.
Hypertrophic cardiomyopathy 26. Also called: Cardiomyopathy, familial hypertrophic, 26. Identifiers: Orphanet 75249, MedGen C4310749, MONDO:0014883, OMIM 617047.
FLNC-related disorder. Also called: FLNC-related condition; FLNC-related disorders.
Cardiovascular phenotype. Identifiers: MedGen CN230736.

Allele frequency attached by ClinVar (database versions not stated): gnomAD 0.00001; gnomAD exomes 0.00002; ExAC 0.00003; TOPMed 0.00003; ESP Exome Variant Server 0.00008; 1000 Genomes Project 30x 0.00016; 1000 Genomes Project 0.00020.
gnomAD v4.1: 31 of 1,613,772 alleles (0.0019%); highest among the groups gnomAD compares: South Asian, 0.0066%; no homozygotes.

Submissions (6):

Labcorp Genetics (formerly Invitae), Labcorp
Classification: Likely benign for Distal myopathy with posterior leg and anterior hand involvement; Myofibrillar myopathy 5; Hypertrophic cardiomyopathy 26. Last evaluated: 2025-11-18. Review status: criteria provided, single submitter. Criteria: Invitae Variant Classification Sherloc (09022015). Collection method: clinical testing. Allele origin: germline.

PreventionGenetics, part of Exact Sciences
Classification: Uncertain significance for FLNC-related condition. Last evaluated: 2025-01-07. Review status: criteria provided, single submitter. Criteria: ACMG Guidelines, 2015. Collection method: clinical testing. Allele origin: germline.
Comment: The FLNC c.4628G>A variant is predicted to result in the amino acid substitution p.Arg1543Gln. To our knowledge, this variant has not been reported in the literature. This variant is reported in 0.0098% of alleles in individuals of South Asian descent in gnomAD. A different missense variant affecting this substitution has been reported, de novo, in a patient with restrictive cardiomyopathy (p.Arg1543Pro; Baban et al. 2022. PubMed ID: 36286284). At this time, the clinical significance of the c.4628G>A variant is uncertain due to the absence of conclusive functional and genetic evidence.

Revvity Omics, Revvity
Classification: Uncertain significance. Last evaluated: 2024-12-20. Review status: criteria provided, single submitter. Criteria: ACMG Guidelines, 2015. Collection method: clinical testing. Allele origin: germline.

Ambry Genetics
Classification: Uncertain significance for Cardiovascular phenotype. Last evaluated: 2024-12-02. Review status: criteria provided, single submitter. Criteria: Ambry Variant Classification Scheme 2023. Collection method: clinical testing. Allele origin: germline.
Comment: The p.R1543Q variant (also known as c.4628G>A), located in coding exon 27 of the FLNC gene, results from a G to A substitution at nucleotide position 4628. The arginine at codon 1543 is replaced by glutamine, an amino acid with highly similar properties. This amino acid position is well conserved in available vertebrate species. In addition, this alteration is predicted to be tolerated by in silico analysis. Based on the available evidence, the clinical significance of this variant remains unclear.

Blueprint Genetics
Classification: Uncertain significance. Last evaluated: 2024-10-10. Review status: criteria provided, single submitter. Criteria: ACMG Guidelines, 2015. Collection method: clinical testing. Allele origin: germline.

GeneDx
Classification: Uncertain significance. Last evaluated: 2023-05-15. Review status: criteria provided, single submitter. Criteria: GeneDx Variant Classification Process June 2021. Collection method: clinical testing. Allele origin: germline. Affected: yes.
Comment: In silico analysis supports that this missense variant does not alter protein structure/function; Has not been previously published as pathogenic or benign to our knowledge

NM_001458.5(FLNC):c.4628G>A (p.Arg1543Gln)

Gene: FLNC (filamin C; plus strand). Cytogenetic location: 7q32.1.
Variant type: single nucleotide variant.
Coding change: c.4628G>A on transcript NM_001458.5 (MANE Select); coding-DNA position 4628, G replaced by A.
Protein change: p.Arg1543Gln; replaces arginine 1543 with glutamine.
Molecular consequence: missense variant.
Genome position (GRCh38, 1-based): chr7:128,848,608, G>A. VCF-style: chr7-128848608-G-A. GRCh37 (hg19) VCF-style: chr7-128488662-G-A.
Other names: c.4628G>A, p.Arg1543Gln (NM_001127487.2); short protein forms R1543Q.
Identifiers: ClinVar variation 648204 (VCV000648204.20), dbSNP rs369178040, ClinGen allele CA4475406.